The following is an entry in ClinVar:

NM_012471.3(TRPC5):c.702G>A (p.Glu234=)

Gene: TRPC5 (transient receptor potential cation channel subfamily C member 5; minus strand). Cytogenetic location: Xq23.
Variant type: single nucleotide variant.
Coding change: c.702G>A on transcript NM_012471.3 (MANE Select); coding-DNA position 702, G replaced by A.
Protein change: p.Glu234=; no amino-acid change (glutamic acid 234 retained).
Molecular consequence: synonymous variant.
Genome position (GRCh38, 1-based): chrX:111,912,489, C>T on the plus strand (G>A on the coding strand, the complement: TRPC5 is on the minus strand). VCF-style: chrX-111912489-C-T. GRCh37 (hg19) VCF-style: chrX-111155717-C-T.
Identifiers: ClinVar variation 4987281 (VCV004987281.1).
Genomic context (GRCh38, chrX:111,912,489, plus strand): 5'-GTCTTTGGCAAAGAGCTTGCACTGCTGAGAGAGCTCCTCATACTCGGCCTTGAACTCATT[C>T]TCCACCTTGCTGAGCTCCTTGAGCTCCCAGCCCAGACGGAAGGCAGTTAGGATGGGGTCC-3'
Protein context (NP_036603.1, residues 224-244): GWELKELSKV[Glu234=]NEFKAEYEEL

ClinVar aggregate classification (germline): Likely benign (1 of 4 stars; one submission).

Conditions:
TRPC5-related disorder. Also called: TRPC5-related condition.

gnomAD v4.1: 8 of 1,209,697 alleles (0.00066%); highest among the groups gnomAD compares: Admixed American, 0.018%; no homozygotes.

Submission:

PreventionGenetics, part of Exact Sciences
Classification: Likely benign for TRPC5-related condition. Last evaluated: 2025-05-07. Review status: criteria provided, single submitter. Criteria: ACMG Guidelines, 2015. Collection method: clinical testing. Allele origin: germline.
Comment: This variant is classified as likely benign based on ACMG/AMP sequence variant interpretation guidelines (Richards et al. 2015 PMID: 25741868, with internal and published modifications).